The following is an entry in ClinVar:

NM_001100913.3(PACS2):c.20T>G (p.Leu7Arg)

Genes: BRF1 (BRF1 general transcription factor IIIB subunit; minus strand), PACS2 (phosphofurin acidic cluster sorting protein 2; plus strand). Cytogenetic location: 14q32.33.
Variant type: single nucleotide variant.
Coding change: c.20T>G on transcript NM_001100913.3 (MANE Select); coding-DNA position 20, T replaced by G.
Protein change: p.Leu7Arg; replaces leucine 7 with arginine.
Molecular consequence: missense variant. On other transcripts: intron variant (4).
Genome position (GRCh38, 1-based): chr14:105,314,938, T>G. VCF-style: chr14-105314938-T-G. GRCh37 (hg19) VCF-style: chr14-105781275-T-G.
Other names: c.20T>G, p.Leu7Arg (NM_015197.4); c.-162+384A>C (NM_001440451.1, NM_001242787.2, NM_001242786.2); c.-83+13959T>G (NM_001243127.3); short protein forms L7R.
Identifiers: ClinVar variation 1717818 (VCV001717818.6), dbSNP rs2140747324, ClinGen allele CA391191422.

ClinVar aggregate classification (germline): Uncertain significance (1 of 4 stars; one submission).

Submission:

Labcorp Genetics (formerly Invitae), Labcorp
Classification: Uncertain significance. Last evaluated: 2022-09-12. Review status: criteria provided, single submitter. Criteria: Invitae Variant Classification Sherloc (09022015). Collection method: clinical testing. Allele origin: germline.
Comment: This sequence change replaces leucine, which is neutral and non-polar, with arginine, which is basic and polar, at codon 7 of the PACS2 protein (p.Leu7Arg). This variant is not present in population databases (gnomAD no frequency). This variant has not been reported in the literature in individuals affected with PACS2-related conditions. Algorithms developed to predict the effect of missense changes on protein structure and function (SIFT, PolyPhen-2, Align-GVGD) all suggest that this variant is likely to be tolerated. In summary, the available evidence is currently insufficient to determine the role of this variant in disease. Therefore, it has been classified as a Variant of Uncertain Significance.